The following is an entry in ClinVar:

NM_001367721.1(CASK):c.2060T>C (p.Met687Thr)

Gene: CASK (calcium/calmodulin dependent serine protein kinase; minus strand). Cytogenetic location: Xp11.4.
Variant type: single nucleotide variant.
Coding change: c.2060T>C on transcript NM_001367721.1 (MANE Select); coding-DNA position 2060, T replaced by C.
Protein change: p.Met687Thr; replaces methionine 687 with threonine.
Molecular consequence: missense variant.
Genome position (GRCh38, 1-based): chrX:41,542,786, A>G on the plus strand (T>C on the coding strand, the complement: CASK is on the minus strand). VCF-style: chrX-41542786-A-G. GRCh37 (hg19) VCF-style: chrX-41402039-A-G.
Other names: c.1991T>C, p.Met664Thr (NM_001126054.3); c.1973T>C, p.Met658Thr (NM_001126055.3); c.2042T>C, p.Met681Thr (NM_001410745.1); c.2060T>C, p.Met687Thr (NM_003688.4); short protein forms M658T, M681T, M664T, M687T.
Identifiers: ClinVar variation 3572659 (VCV003572659.2).

ClinVar aggregate classification (germline): Uncertain significance (1 of 4 stars; one submission).

gnomAD v4.1: 2 of 1,187,098 alleles (0.00017%); highest among the groups gnomAD compares: Admixed American, 0.0022%; no homozygotes.

Submission:

GeneDx
Classification: Uncertain significance. Last evaluated: 2026-04-25. Review status: criteria provided, single submitter. Criteria: GeneDx Variant Classification Process June 2021. Collection method: clinical testing. Allele origin: germline.
Comment: Not observed at significant frequency in large population cohorts (gnomAD); In silico analysis supports that this missense variant has a deleterious effect on protein structure/function; Has not been previously published as pathogenic or benign to our knowledge